The following is an entry in ClinVar:

NM_019032.6(ADAMTSL4):c.296G>A (p.Gly99Asp)

Genes: ADAMTSL4 (ADAMTS like 4; plus strand), ADAMTSL4-AS2 (ADAMTSL4 antisense RNA 2; minus strand). Cytogenetic location: 1q21.2.
Variant type: single nucleotide variant.
Coding change: c.296G>A on transcript NM_019032.6 (MANE Select); coding-DNA position 296, G replaced by A.
Protein change: p.Gly99Asp; replaces glycine 99 with aspartic acid.
Molecular consequence: missense variant.
Genome position (GRCh38, 1-based): chr1:150,553,115, G>A. VCF-style: chr1-150553115-G-A. GRCh37 (hg19) VCF-style: chr1-150525591-G-A.
Other names: c.296G>A, p.Gly99Asp (NM_001288607.2, NM_001288608.2, NM_001378596.1 and 1 more transcripts); c.296G>A (NM_019032.4); short protein forms G99D.
Identifiers: ClinVar variation 1947860 (VCV001947860.3), dbSNP rs587688843, ClinGen allele CA1077923.

ClinVar aggregate classification (germline): Uncertain significance. Review status: criteria provided, multiple submitters, no conflicts (2 of 4 stars). 2 submissions from 2 submitters: Uncertain significance (2). Last evaluated 2024-11-19.

Conditions:
Inborn genetic diseases. Identifiers: MedGen C0950123, MeSH D030342.

Allele frequency attached by ClinVar (database versions not stated): ExAC 0.00002; gnomAD 0.00005; TOPMed 0.00006; 1000 Genomes Project 30x 0.00016; 1000 Genomes Project 0.00020.
gnomAD v4.1: 17 of 1,613,170 alleles (0.0011%); highest among the groups gnomAD compares: African/African-American, 0.02%; no homozygotes.

Submissions (2):

Ambry Genetics
Classification: Uncertain significance for Inborn genetic diseases. Last evaluated: 2024-11-19. Review status: criteria provided, single submitter. Criteria: Ambry Variant Classification Scheme 2023. Collection method: clinical testing. Allele origin: germline.

Labcorp Genetics (formerly Invitae), Labcorp
Classification: Uncertain significance. Last evaluated: 2022-08-09. Review status: criteria provided, single submitter. Criteria: Invitae Variant Classification Sherloc (09022015). Collection method: clinical testing. Allele origin: germline.
Comment: This sequence change replaces glycine, which is neutral and non-polar, with aspartic acid, which is acidic and polar, at codon 99 of the ADAMTSL4 protein (p.Gly99Asp). This variant is present in population databases (rs587688843, gnomAD 0.02%). This variant has not been reported in the literature in individuals affected with ADAMTSL4-related conditions. Algorithms developed to predict the effect of missense changes on protein structure and function are either unavailable or do not agree on the potential impact of this missense change (SIFT: "Deleterious"; PolyPhen-2: "Possibly Damaging"; Align-GVGD: "Class C0"). In summary, the available evidence is currently insufficient to determine the role of this variant in disease. Therefore, it has been classified as a Variant of Uncertain Significance.